The following is an entry in ClinVar:

NC_000023.10:g.(?_14861526)_(14883703_14887044)dup

Gene: FANCB (FA complementation group B; minus strand). Cytogenetic location: Xp22.2.
Variant type: Duplication.
Identifiers: ClinVar variation 4536091 (VCV004536091.1).

ClinVar aggregate classification (germline): Uncertain significance (1 of 4 stars; one submission).

Submission:

Women's Health and Genetics/Laboratory Corporation of America, LabCorp
Classification: Uncertain significance. Last evaluated: 2025-09-22. Review status: criteria provided, single submitter. Criteria: LabCorp Variant Classification Summary - May 2015. Collection method: clinical testing. Allele origin: germline.
Comment: Variant summary: The variant involves the duplication of exons 3-10 in the FANCB gene. A presumed nomenclature of c.(-71+1_-70-1)_(*163_?)dup has been designated for the purposes of this classification. This duplication includes the entire coding sequence of the gene. As exact breakpoints are unknown, it may extend beyond the annotated region of the gene, to include other flanking genes. A duplication of a ~448 Kbp genomic region encompassing the entire FANCB gene was found at a frequency of 0.00038 in 15814 control chromosomes in the gnomAD database (Structural Variants v2.1 dataset), including 4 hemizygotes. The available data on variant occurrences in the general population are insufficient to allow any conclusion about variant significance. To our knowledge, no occurrence of c.(-71+1_-70-1)_(*163_?)dup in individuals affected with FANCB-related conditions and no experimental evidence demonstrating its impact on protein function have been reported. ClinVar contains entries for this variant (Variation IDs: 3243682; 1677158). Based on the evidence outlined above, the variant was classified as uncertain significance.